The following is an entry in ClinVar:

ClinVar aggregate classification (germline): Pathogenic/Likely pathogenic. Review status: criteria provided, multiple submitters, no conflicts (2 of 4 stars). 3 submissions from 3 submitters: Pathogenic (2); Likely pathogenic (1). Last evaluated 2025-12-23.

Conditions:
Hypophosphatasia. Also called: Phosphoethanol-aminuria. Identifiers: Orphanet 436, MedGen C0020630, MeSH D007014, MONDO:0018570.
Adult hypophosphatasia. Identifiers: Orphanet 247676, Orphanet 436, MedGen C0268413, MONDO:1010154, OMIM 146300, MONDO:0007798.

Allele frequency attached by ClinVar (database versions not stated): ExAC 0.00003.
gnomAD v4.1: 2 of 1,612,882 alleles (0.00012%); highest among the groups gnomAD compares: East Asian, 0.0022%; no homozygotes.

Submissions (3):

Labcorp Genetics (formerly Invitae), Labcorp
Classification: Pathogenic. Last evaluated: 2025-12-23. Review status: criteria provided, single submitter. Criteria: Invitae Variant Classification Sherloc (09022015). Collection method: clinical testing. Allele origin: germline.
Comment: This sequence change replaces arginine, which is basic and polar, with serine, which is neutral and polar, at codon 71 of the ALPL protein (p.Arg71Ser). This variant is not present in population databases (gnomAD no frequency). This missense change has been observed in individual(s) with childhood-type hypophosphatasia (PMID: 11760847). ClinVar contains an entry for this variant (Variation ID: 2676552). Invitae Evidence Modeling of protein sequence and biophysical properties (such as structural, functional, and spatial information, amino acid conservation, physicochemical variation, residue mobility, and thermodynamic stability) indicates that this missense variant is expected to disrupt ALPL protein function with a positive predictive value of 95%. Experimental studies have shown that this missense change affects ALPL function (PMID: 11760847). This variant disrupts the p.Arg71 amino acid residue in ALPL. Other variant(s) that disrupt this residue have been determined to be pathogenic (PMID: 11438998, 19500388, 22397652, 25731960, 31760938). This suggests that this residue is clinically significant, and that variants that disrupt this residue are likely to be disease-causing. For these reasons, this variant has been classified as Pathogenic.

Genomenon, Inc
Classification: Pathogenic for Hypophosphatasia. Last evaluated: 2025-08-29. Review status: criteria provided, single submitter. Criteria: Genomenon Sequence Variant Interpretation Standards. Collection method: curation. Allele origin: germline. Affected: yes.
Comment: ALPL c.211C>A is a missense variant that changes the amino acid at residue 71 from Arginine to Serine. This variant has been observed in multiple probands affected with hypophosphatasia (PMID:32811521;36361766;11760847;25731960;18769927;29774402). At least one functional study has demonstrated a substantial alteration in protein function relative to the wild-type (PMID:11760847;18455459). This variant is also reported as Arg54Ser in the literature. It is absent or not present at a significant frequency in gnomAD. In silico models agree that this variant is possibly or probably damaging. In conclusion, we classify ALPL p.Arg71Ser (c.211C>A) as a pathogenic variant.

Baylor Genetics
Classification: Likely pathogenic for Adult hypophosphatasia. Last evaluated: 2023-07-30. Review status: criteria provided, single submitter. Criteria: ACMG Guidelines, 2015. Collection method: clinical testing. Allele origin: unknown.

Literature cited by the submitters: PubMed 11760847 (cited by Labcorp Genetics (formerly Invitae), Labcorp and Genomenon, Inc); PubMed 11438998 (cited by Labcorp Genetics (formerly Invitae), Labcorp); PubMed 19500388 (cited by Labcorp Genetics (formerly Invitae), Labcorp); PubMed 22397652 (cited by Labcorp Genetics (formerly Invitae), Labcorp); PubMed 25731960 (cited by Labcorp Genetics (formerly Invitae), Labcorp and Genomenon, Inc); PubMed 31760938 (cited by Labcorp Genetics (formerly Invitae), Labcorp); PubMed 32811521 (cited by Genomenon, Inc); PubMed 36361766 (cited by Genomenon, Inc); PubMed 18769927 (cited by Genomenon, Inc); PubMed 29774402 (cited by Genomenon, Inc); PubMed 18455459 (cited by Genomenon, Inc).

NM_000478.6(ALPL):c.211C>A (p.Arg71Ser)

Gene: ALPL (alkaline phosphatase, biomineralization associated; plus strand). Cytogenetic location: 1p36.12.
Variant type: single nucleotide variant.
Coding change: c.211C>A on transcript NM_000478.6 (MANE Select); coding-DNA position 211, C replaced by A.
Protein change: p.Arg71Ser; replaces arginine 71 with serine.
Molecular consequence: missense variant. On other transcripts: intron variant (1).
Genome position (GRCh38, 1-based): chr1:21,561,126, C>A. VCF-style: chr1-21561126-C-A. GRCh37 (hg19) VCF-style: chr1-21887619-C-A.
Other names: c.46C>A, p.Arg16Ser (NM_001127501.4); c.211C>A, p.Arg71Ser (NM_001369803.2, NM_001369804.2, NM_001369805.2); c.66+381C>A (NM_001177520.3); short protein forms R16S, R71S.
Identifiers: ClinVar variation 2676552 (VCV002676552.5), dbSNP rs121918001, ClinGen allele CA666434.
Genomic context (GRCh38, chr1:21,561,126, plus strand): 5'-GAGAGACTGAGGCCCCCACTCCCCACTGCAGGGATGGGTGTCTCCACAGTGACGGCTGCC[C>A]GCATCCTCAAGGGTCAGCTCCACCACAACCCTGGGGAGGAGACCAGGCTGGAGATGGACA-3'
Protein context (NP_000469.3, residues 61-81): GMGVSTVTAA[Arg71Ser]ILKGQLHHNP